The following is an entry in ClinVar:

NM_000057.4(BLM):c.1765del (p.Glu589fs)

Gene: BLM (BLM RecQ like helicase; plus strand). Cytogenetic location: 15q26.1.
Variant type: Deletion.
Coding change: c.1765del on transcript NM_000057.4 (MANE Select); coding-DNA position 1765, one base deleted (G; older notation c.1765delG).
Protein change: p.Glu589fs; shifts the reading frame from glutamic acid 589.
Molecular consequence: frameshift variant.
Genome position (GRCh38, 1-based): chr15:90,761,138, G deleted; the last of 2 consecutive G bases (chr15:90,761,137-90,761,138); deleting either gives the same sequence. VCF-style (leftmost placement, unchanged base first): chr15-90761136-AG-A. GRCh37 (hg19) VCF-style: chr15-91304366-AG-A.
Other names: c.1765del, p.Glu589fs (NM_001287246.2, NM_001287247.2); c.640del, p.Glu214fs (NM_001287248.2); short protein forms E589fs, E214fs.
Identifiers: ClinVar variation 2765662 (VCV002765662.3), dbSNP rs2505428836, ClinGen allele CA2697549376.

ClinVar aggregate classification (germline): Pathogenic (1 of 4 stars; one submission).

Conditions:
Bloom syndrome (BLM). Also called: Bloom-Torre-Machacek syndrome. Identifiers: Orphanet 125, MedGen C0005859, MONDO:0008876, OMIM 210900.

Submission:

Labcorp Genetics (formerly Invitae), Labcorp
Classification: Pathogenic for Bloom syndrome. Last evaluated: 2023-10-05. Review status: criteria provided, single submitter. Criteria: Invitae Variant Classification Sherloc (09022015). Collection method: clinical testing. Allele origin: germline.
Comment: This sequence change creates a premature translational stop signal (p.Glu589Lysfs*29) in the BLM gene. It is expected to result in an absent or disrupted protein product. Loss-of-function variants in BLM are known to be pathogenic (PMID: 17407155). This variant is not present in population databases (gnomAD no frequency). This variant has not been reported in the literature in individuals affected with BLM-related conditions. For these reasons, this variant has been classified as Pathogenic.

Literature cited by the submitters: PubMed 17407155.